The following is an entry in ClinVar:

ClinVar aggregate classification (germline): Uncertain significance (1 of 4 stars; one submission).

Conditions:
Mucopolysaccharidosis, MPS-IV-A (MPS4A). Also called: Mucopolysaccharidosis type IV A; Mucopolysaccharidosis Type IVA; Morquio syndrome A, mild; MORQUIO SYNDROME A; MPS IVA; mucopolysaccharidosis type 4A. Identifiers: Orphanet 309297, Orphanet 582, MedGen C0086651, MONDO:0009659, OMIM 253000.

Allele frequency attached by ClinVar (database versions not stated): gnomAD exomes below 0.00001; TOPMed below 0.00001; ExAC 0.00001; gnomAD 0.00001.
gnomAD v4.1: 2 of 1,612,986 alleles (0.00012%); highest among the groups gnomAD compares: African/African-American, 0.0013%; no homozygotes.

Submission:

Laboratory of Diagnosis and Therapy of Lysosomal Disorders, University of Padova
Classification: Uncertain significance for Mucopolysaccharidosis, MPS-IV-A. Last evaluated: 2021-02-01. Review status: criteria provided, single submitter. Criteria: ACMG Guidelines, 2015. Collection method: research. Allele origin: germline. Affected: yes.
Comment: The prevalence of the variant in affected individuals is significantly increased compared with the prevalence in controls (PS4_supporting); very low frequency in gnomAD v2.1.1 (PM2_moderate); multiple lines of computational evidence support a deleterious effect on the gene (PP3_supporting)

Literature cited by the submitters: PubMed 34387910.

NM_000512.5(GALNS):c.406A>C (p.Lys136Gln)

Gene: GALNS (galactosamine (N-acetyl)-6-sulfatase; minus strand). Cytogenetic location: 16q24.3.
Variant type: single nucleotide variant.
Coding change: c.406A>C on transcript NM_000512.5 (MANE Select); coding-DNA position 406, A replaced by C.
Protein change: p.Lys136Gln; replaces lysine 136 with glutamine.
Molecular consequence: missense variant. On other transcripts: 5 prime UTR variant (1).
Genome position (GRCh38, 1-based): chr16:88,841,008, T>G on the plus strand (A>C on the coding strand, the complement: GALNS is on the minus strand). VCF-style: chr16-88841008-T-G. GRCh37 (hg19) VCF-style: chr16-88907416-T-G.
Other names: c.-150A>C (NM_001323543.2); c.424A>C, p.Lys142Gln (NM_001323544.2); short protein forms K136Q, K142Q.
Identifiers: ClinVar variation 1048394 (VCV001048394.3), dbSNP rs750953060, ClinGen allele CA8235174.
Genomic context (GRCh38, chr16:88,841,008, plus strand): 5'-TGGATGGAGCAGGACGCCTGGGCAGGCGTGGCCAGGAGACTTACCACTTGCCGACAATCT[T>G]GCTGACGTAGCCGGCCTTCTTCAGAAGCTCCGGCAGGAGCTGCTCCGAGTCTGGGATGCC-3'
Protein context (NP_000503.1, residues 126-146): ELLKKAGYVS[Lys136Gln]IVGKWHLGHR